The following is an entry in ClinVar:

NM_001844.5(COL2A1):c.1545C>A (p.Arg515=)

Gene: COL2A1 (collagen type II alpha 1 chain; minus strand). Cytogenetic location: 12q13.11.
Variant type: single nucleotide variant.
Coding change: c.1545C>A on transcript NM_001844.5 (MANE Select); coding-DNA position 1545, C replaced by A.
Protein change: p.Arg515=; no amino-acid change (arginine 515 retained).
Molecular consequence: synonymous variant.
Genome position (GRCh38, 1-based): chr12:47,985,948, G>T on the plus strand (C>A on the coding strand, the complement: COL2A1 is on the minus strand). VCF-style: chr12-47985948-G-T. GRCh37 (hg19) VCF-style: chr12-48379731-G-T.
Other names: p.Arg515=; c.1338C>A, p.Arg446= (NM_033150.3).
Identifiers: ClinVar variation 258211 (VCV000258211.37), dbSNP rs41317925, ClinGen allele CA6535455.

ClinVar aggregate classification (germline): Benign/Likely benign. Review status: criteria provided, multiple submitters, no conflicts (2 of 4 stars). 15 submissions from 14 submitters: Benign (10); Likely benign (3). 2 of the submissions do not count toward it. Last evaluated 2026-05-11.

Conditions:
Type 2 collagenopathy. Identifiers: Orphanet 93421, MedGen C2931073, MONDO:0022800.
Stickler syndrome type 1 (STL1). Also called: ARTHROOPHTHALMOPATHY, HEREDITARY PROGRESSIVE; COL2A1-Related Stickler Syndrome; STICKLER SYNDROME, MEMBRANOUS VITREOUS TYPE; STICKLER SYNDROME, VITREOUS TYPE 1. Identifiers: Orphanet 828, Orphanet 90653, MedGen C2020284, MONDO:0007160, OMIM 108300.
Achondrogenesis type II (ACG2). Also called: CHONDROGENESIS IMPERFECTA; ACHONDROGENESIS, LANGER-SALDINO TYPE. Identifiers: Orphanet 932, Orphanet 93296, MedGen C0220685, MONDO:0008702, OMIM 200610.
Namaqualand hip dysplasia (OSCDP). Also called: Mild spondyloepiphyseal dysplasia due to COL2A1 mutation with early-onset osteoarthritis. Identifiers: Orphanet 93279, MedGen C0432214, MONDO:0011496, OMIM 604864.
Spondyloepiphyseal dysplasia with metatarsal shortening. Also called: Pseudorheumatoid dysplasia progressive, with hypoplastic toes; CZECH DYSPLASIA, METATARSAL TYPE; SPONDYLOEPIPHYSEAL DYSPLASIA WITH PRECOCIOUS OSTEOARTHRITIS. Identifiers: Orphanet 137678, MedGen C1836683, MONDO:0012206, OMIM 609162.
Spondyloepiphyseal dysplasia congenita (SEDC). Also called: SED CONGENITA; SPONDYLOEPIPHYSEAL DYSPLASIA, CONGENITAL TYPE. Identifiers: Orphanet 94068, MedGen C2745959, MONDO:0008471, OMIM 183900.
Platyspondylic dysplasia, Torrance type (PLSDT). Identifiers: Orphanet 85166, MedGen C1835437, MONDO:0007895, OMIM 151210.
Spondylometaphyseal dysplasia - Sutcliffe type. Also called: Sutcliffe type of spondylometaphyseal dysplasia; Sutcliffe SMD; Spondylometaphyseal Dysplasia, Corner Fracture Type; Spondylometaphyseal dysplasia, 'corner fracture' type. Identifiers: Orphanet 93315, MedGen C0432221, MONDO:0008479, OMIM 184255.
Spondyloepimetaphyseal dysplasia, Strudwick type (SEMDSTWK). Also called: DAPPLED METAPHYSIS SYNDROME; STRUDWICK SYNDROME. Identifiers: Orphanet 93346, MedGen C0700635, MONDO:0008476, OMIM 184250.
Avascular necrosis of femoral head, primary, 1 (ANFH1). Also called: Avascular necrosis of femoral head, primary. Identifiers: Orphanet 86820, MedGen C4551562, MONDO:0054550, OMIM 608805.
Kniest dysplasia. Identifiers: Orphanet 485, MedGen C0265279, MONDO:0007987, OMIM 156550.
Stickler syndrome, type I, nonsyndromic ocular. Also called: STICKLER SYNDROME, ATYPICAL; STICKLER SYNDROME, TYPE I, PREDOMINANTLY OCULAR. Identifiers: MedGen C1836080, MONDO:0012287, OMIM 609508.
Vitreoretinopathy with phalangeal epiphyseal dysplasia (VPED). Identifiers: MedGen C1852989, MONDO:0031001, OMIM 619248.
Multiple epiphyseal dysplasia, Beighton type. Identifiers: Orphanet 166011, MedGen C1851536, MONDO:0007562, OMIM 132450.
Legg-Calve-Perthes disease. Also called: Osteochondritis deformans; Coxa plana; Avascular necrosis of the capital femoral epiphysis; PERTHES DISEASE. Identifiers: Orphanet 2380, MedGen C1442965, MONDO:0007885, OMIM 150600, HP:0005743.
Spondyloperipheral dysplasia. Also called: SPONDYLOPERIPHERAL DYSPLASIA WITH SHORT ULNA; Spondyloperipheral dysplasia-short ulna syndrome. Identifiers: Orphanet 1856, MedGen C0796173, MONDO:0010078, OMIM 271700.
Spondyloepiphyseal dysplasia, Stanescu type. Also called: SED, STANESCU TYPE; SPONDYLOEPIMETAPHYSEAL DYSPLASIA, STANESCU TYPE. Identifiers: Orphanet 459051, MedGen C4225273, MONDO:0014701, OMIM 616583.
Connective tissue disorder. Also called: Connective tissue disease. Identifiers: MedGen C0009782, MONDO:0003900.

Allele frequency attached by ClinVar (database versions not stated): 1000 Genomes Project 0.00559; 1000 Genomes Project 30x 0.00593; gnomAD 0.01027; TOPMed 0.01127; ESP Exome Variant Server 0.01279.
gnomAD v4.1: 22,852 of 1,551,604 alleles (1.5%); highest among the groups gnomAD compares: Non-Finnish European, 1.8%; 214 homozygotes.

Submissions (15):

Women's Health and Genetics/Laboratory Corporation of America, LabCorp
Classification: Benign. Last evaluated: 2026-05-11. Review status: criteria provided, single submitter. Criteria: LabCorp Variant Classification Summary - May 2015. Collection method: clinical testing. Allele origin: germline.

Labcorp Genetics (formerly Invitae), Labcorp
Classification: Benign. Last evaluated: 2026-02-04. Review status: criteria provided, single submitter. Criteria: Invitae Variant Classification Sherloc (09022015). Collection method: clinical testing. Allele origin: germline.

Blueprint Genetics
Classification: Likely benign. Last evaluated: 2024-11-27. Review status: criteria provided, single submitter. Criteria: ACMG Guidelines, 2015. Collection method: clinical testing. Allele origin: germline.

ARUP Laboratories, Molecular Genetics and Genomics, ARUP Laboratories
Classification: Benign. Last evaluated: 2024-06-21. Review status: criteria provided, single submitter. Criteria: ARUP Molecular Germline Variant Investigation Process 2024. Collection method: clinical testing. Allele origin: germline.

Fulgent Genetics
Classification: Benign for Stickler syndrome type 1; Multiple epiphyseal dysplasia, Beighton type; Legg-Calve-Perthes disease; Platyspondylic dysplasia, Torrance type; Kniest dysplasia; Spondyloepiphyseal dysplasia congenita; Spondyloepimetaphyseal dysplasia, Strudwick type; Spondylometaphyseal dysplasia - Sutcliffe type; Achondrogenesis type II; Spondyloperipheral dysplasia; Namaqualand hip dysplasia; Avascular necrosis of femoral head, primary, 1; Spondyloepiphyseal dysplasia with metatarsal shortening; Stickler syndrome, type I, nonsyndromic ocular; Spondyloepiphyseal dysplasia, Stanescu type; Vitreoretinopathy with phalangeal epiphyseal dysplasia. Last evaluated: 2021-08-09. Review status: criteria provided, single submitter. Criteria: ACMG Guidelines, 2015. Collection method: clinical testing. Allele origin: unknown.

Mayo Clinic Laboratories, Mayo Clinic
Classification: Benign. Last evaluated: 2021-04-14. Review status: criteria provided, single submitter. Criteria: ACMG Guidelines, 2015. Collection method: clinical testing. Allele origin: germline. Observed: 4 variant alleles.

Genome Diagnostics Laboratory, The Hospital for Sick Children
Classification: Benign for Connective tissue disorder. Last evaluated: 2020-10-17. Review status: criteria provided, single submitter. Criteria: ACMG Guidelines, 2015. Collection method: clinical testing. Allele origin: germline.

Athena Diagnostics
Classification: Benign. Last evaluated: 2019-02-13. Review status: criteria provided, single submitter. Criteria: Athena Diagnostics Criteria. Collection method: clinical testing. Allele origin: germline.

Illumina Laboratory Services, Illumina
Classification: Likely benign for Stickler syndrome type 1. Last evaluated: 2018-01-13. Review status: criteria provided, single submitter. Criteria: ICSL Variant Classification Criteria 13 December 2019. Collection method: clinical testing. Allele origin: germline.
Comment: This variant was observed in the ICSL laboratory as part of a predisposition screen in an ostensibly healthy population. It had not been previously curated by ICSL or reported in the Human Gene Mutation Database (HGMD: prior to June 1st, 2018), and was therefore a candidate for classification through an automated scoring system. Utilizing variant allele frequency, disease prevalence and penetrance estimates, and inheritance mode, an automated score was calculated to assess if this variant is too frequent to cause the disease. Based on the score and internal cut-off values, a variant classified as likely benign is not then subjected to further curation. The score for this variant resulted in a classification of likely benign for this disease.

Illumina Laboratory Services, Illumina
Classification: Benign for Type II Collagenopathies. Last evaluated: 2018-01-13. Review status: criteria provided, single submitter. Criteria: ICSL Variant Classification Criteria 13 December 2019. Collection method: clinical testing. Allele origin: germline.
Comment: This variant was observed in the ICSL laboratory as part of a predisposition screen in an ostensibly healthy population. It had not been previously curated by ICSL or reported in the Human Gene Mutation Database (HGMD: prior to June 1st, 2018), and was therefore a candidate for classification through an automated scoring system. Utilizing variant allele frequency, disease prevalence and penetrance estimates, and inheritance mode, an automated score was calculated to assess if this variant is too frequent to cause the disease. Based on the score and internal cut-off values, a variant classified as benign is not then subjected to further curation. The score for this variant resulted in a classification of benign for this disease.

GeneDx
Classification: Benign. Last evaluated: 2016-07-25. Review status: criteria provided, single submitter. Criteria: GeneDx Variant Classification (06012015). Collection method: clinical testing. Allele origin: germline. Affected: yes.
Comment: This variant is considered likely benign or benign based on one or more of the following criteria: it is a conservative change, it occurs at a poorly conserved position in the protein, it is predicted to be benign by multiple in silico algorithms, and/or has population frequency not consistent with disease.

Breakthrough Genomics
Classification: Likely benign. Review status: criteria provided, single submitter. Criteria: ACMG Guidelines, 2015. Collection method: not provided. Allele origin: germline. Inheritance: Autosomal dominant inheritance. Affected: yes.

PreventionGenetics, part of Exact Sciences
Classification: Benign. Review status: criteria provided, single submitter. Criteria: ACMG Guidelines, 2015. Collection method: clinical testing. Allele origin: germline.

Genome Diagnostics Laboratory, Amsterdam University Medical Center
Classification: Benign. Review status: no assertion criteria provided. Collection method: clinical testing. Allele origin: germline. Affected: yes. Study: VKGL Data-share Consensus. Not counted in ClinVar's aggregate classification.

Laboratory of Diagnostic Genome Analysis, Leiden University Medical Center (LUMC)
Classification: Benign. Review status: no assertion criteria provided. Collection method: clinical testing. Allele origin: germline. Affected: yes. Study: VKGL Data-share Consensus. Not counted in ClinVar's aggregate classification.